The following is an entry in ClinVar:

ClinVar aggregate classification (germline): Uncertain significance (1 of 4 stars; one submission).

Conditions:
Megalencephaly-polymicrogyria-polydactyly-hydrocephalus syndrome 2 (MPPH2). Also called: MEGALENCEPHALY-POLYMICROGYRIA-POLYDACTYLY-HYDROCEPHALUS SYNDROME 2, SOMATIC. Identifiers: Orphanet 83473, MedGen C4014738, MONDO:0014407, OMIM 615937.

gnomAD v4.1: 1 of 1,613,692 alleles (0.000062%); highest among the groups gnomAD compares: Non-Finnish European, 0.000085%; no homozygotes.

Submission:

Dasa
Classification: Uncertain significance for Megalencephaly-polymicrogyria-polydactyly-hydrocephalus syndrome 2. Last evaluated: 2025-11-22. Review status: criteria provided, single submitter. Criteria: DASA Assertion Criteria. Collection method: clinical testing. Allele origin: germline.
Comment: NM_005465.7(AKT3):c.1359T>G (p.Asp453Glu) is a missense variant that results in the substitution of aspartic acid with glutamic acid. This variant is rare in population databases. Computational prediction algorithms are consistent with a benign effect. The currently available literature and clinical evidence are not sufficient to establish a definitive association between this variant and the reported condition. Therefore, this variant is classified as a variant of uncertain significance.

NM_005465.7(AKT3):c.1359T>G (p.Asp453Glu)

Gene: AKT3 (AKT serine/threonine kinase 3; minus strand). Cytogenetic location: 1q44.
Variant type: single nucleotide variant.
Coding change: c.1359T>G on transcript NM_005465.7 (MANE Select); coding-DNA position 1359, T replaced by G.
Protein change: p.Asp453Glu; replaces aspartic acid 453 with glutamic acid.
Molecular consequence: missense variant. On other transcripts: intron variant (2).
Genome position (GRCh38, 1-based): chr1:243,505,330, A>C on the plus strand (T>G on the coding strand, the complement: AKT3 is on the minus strand). VCF-style: chr1-243505330-A-C. GRCh37 (hg19) VCF-style: chr1-243668632-A-C.
Other names: c.1359T>G, p.Asp453Glu (NM_001370074.1); c.1355-5544T>G (NM_181690.2, NM_001206729.2); short protein forms D453E.
Identifiers: ClinVar variation 4881663 (VCV004881663.2).